The following is an entry in ClinVar:

NM_007347.5(AP4E1):c.3313C>T (p.Arg1105Ter)

Gene: AP4E1 (adaptor related protein complex 4 subunit epsilon 1; plus strand). Cytogenetic location: 15q21.2.
Variant type: single nucleotide variant.
Coding change: c.3313C>T on transcript NM_007347.5 (MANE Select); coding-DNA position 3313, C replaced by T.
Protein change: p.Arg1105Ter; replaces arginine 1105 with a stop codon.
Molecular consequence: nonsense.
Genome position (GRCh38, 1-based): chr15:51,002,561, C>T. VCF-style: chr15-51002561-C-T. GRCh37 (hg19) VCF-style: chr15-51294758-C-T.
Other names: c.3088C>T, p.Arg1030Ter (NM_001252127.2); short protein forms R1030*, R1105*.
Identifiers: ClinVar variation 1031734 (VCV001031734.4), dbSNP rs1313275799, ClinGen allele CA392422670.
Genomic context (GRCh38, chr15:51,002,561, plus strand): 5'-GGCAATGAAGGGCTATTGGCCTGTCAGCTGCTCCCATCCATCCCCTGCTTACTGCATTGC[C>T]GAGTTCATGCAGATGTATTAGCCCTGTGGTTCAGATCCTCCTGTTCTACTCTTCCTGACT-3'

ClinVar aggregate classification (germline): Pathogenic. Review status: criteria provided, multiple submitters, no conflicts (2 of 4 stars). 4 submissions from 4 submitters: Pathogenic (2). 2 of the submissions do not count toward it. Last evaluated 2025-01-27.

Conditions:
Spastic paraplegia. Identifiers: MedGen C0037772, HP:0001258.
ALG12-congenital disorder of glycosylation (CDG1G). Also called: CDG Ig; Congenital disorder of glycosylation, type Ig; ALG12-CDG. Identifiers: Orphanet 79324, MedGen C2931001, MONDO:0011783, OMIM 607143.
Hereditary spastic paraplegia 51. Also called: CEREBRAL PALSY, SPASTIC QUADRIPLEGIC, 4; Spastic paraplegia 51, autosomal recessive. Identifiers: Orphanet 280763, MedGen C3151056, MONDO:0013401, OMIM 613744.

Allele frequency attached by ClinVar (database versions not stated): gnomAD exomes below 0.00001.
gnomAD v4.1: 3 of 1,614,124 alleles (0.00019%); highest among the groups gnomAD compares: Middle Eastern, 0.017%; no homozygotes.

Submissions (4):

First Genomix Gene Laboratory, Genetic Diagnostics Department
Classification: Pathogenic for Hereditary spastic paraplegia 51. Last evaluated: 2025-01-27. Review status: criteria provided, single submitter. Criteria: ACMG Guidelines, 2015. Collection method: clinical testing. Allele origin: germline. Inheritance: Autosomal recessive inheritance. Affected: no. Observed: 1 variant allele.

Baylor Genetics
Classification: Pathogenic for ALG12-congenital disorder of glycosylation. Last evaluated: 2018-11-19. Review status: criteria provided, single submitter. Criteria: ACMG Guidelines, 2015. Collection method: clinical testing. Allele origin: paternal. Affected: yes.
Comment: This variant was determined to be pathogenic according to ACMG Guidelines, 2015 [PMID:25741868].

OMIM
Classification: Pathogenic for SPASTIC PARAPLEGIA 51, AUTOSOMAL RECESSIVE. Last evaluated: 2021-10-06. Review status: no assertion criteria provided. Collection method: literature only. Allele origin: germline. Not counted in ClinVar's aggregate classification.

Yale Center for Mendelian Genomics, Yale University
Classification: Likely pathogenic for Spastic paraplegia. Last evaluated: 2020-10-01. Review status: no assertion criteria provided. Collection method: literature only. Allele origin: germline. Affected: yes. Observed: 1 homozygote. Study: Yale Center for Mendelian Genomics. Not counted in ClinVar's aggregate classification.

Literature cited by the submitters: PubMed 23472171 (cited by OMIM); PubMed 32979048 (cited by Yale Center for Mendelian Genomics, Yale University).